The following is an entry in ClinVar:

ClinVar aggregate classification (germline): Pathogenic (1 of 4 stars; one submission).

Submission:

Labcorp Genetics (formerly Invitae), Labcorp
Classification: Pathogenic. Last evaluated: 2024-03-31. Review status: criteria provided, single submitter. Criteria: Invitae Variant Classification Sherloc (09022015). Collection method: clinical testing. Allele origin: germline.
Comment: This sequence change creates a premature translational stop signal (p.Arg1004Profs*113) in the ANK1 gene. It is expected to result in an absent or disrupted protein product. Loss-of-function variants in ANK1 are known to be pathogenic (PMID: 8640229). This variant is not present in population databases (gnomAD no frequency). This variant has not been reported in the literature in individuals affected with ANK1-related conditions. For these reasons, this variant has been classified as Pathogenic.

Literature cited by the submitters: PubMed 8640229.

NM_000037.4(ANK1):c.3010dup (p.Arg1004fs)

Gene: ANK1 (ankyrin 1; minus strand). Cytogenetic location: 8p11.21.
Variant type: Duplication.
Coding change: c.3010dup on transcript NM_000037.4 (MANE Select); coding-DNA position 3010, one base duplicated (C; older notation c.3010dupC).
Protein change: p.Arg1004fs; shifts the reading frame from arginine 1004.
Molecular consequence: frameshift variant.
Genome position (GRCh38, 1-based): chr8:41,695,282, G duplicated on the plus strand (C on the coding strand, the reverse complement: ANK1 is on the minus strand); the first of 2 consecutive G bases (chr8:41,695,282-41,695,283); duplicating either gives the same sequence. VCF-style (leftmost placement, unchanged base first): chr8-41695281-C-CG. GRCh37 (hg19) VCF-style: chr8-41552799-C-CG.
Other names: c.3133dup, p.Arg1045fs (NM_001142446.2); c.3010dup, p.Arg1004fs (NM_020475.3, NM_020476.3, NM_020477.3); short protein forms R1004fs, R1045fs.
Identifiers: ClinVar variation 3648276 (VCV003648276.2).